The following is an entry in ClinVar:

ClinVar aggregate classification (germline): Uncertain significance. Review status: criteria provided, multiple submitters, no conflicts (2 of 4 stars). 2 submissions from 2 submitters: Uncertain significance (2). Last evaluated 2022-03-11.

Submissions (2):

Labcorp Genetics (formerly Invitae), Labcorp
Classification: Uncertain significance. Last evaluated: 2022-03-11. Review status: criteria provided, single submitter. Criteria: Invitae Variant Classification Sherloc (09022015). Collection method: clinical testing. Allele origin: germline.
Comment: This variant is not present in population databases (gnomAD no frequency). In summary, the available evidence is currently insufficient to determine the role of this variant in disease. Therefore, it has been classified as a Variant of Uncertain Significance. Advanced modeling of protein sequence and biophysical properties (such as structural, functional, and spatial information, amino acid conservation, physicochemical variation, residue mobility, and thermodynamic stability) performed at Invitae indicates that this missense variant is expected to disrupt RHO protein function. ClinVar contains an entry for this variant (Variation ID: 866105). This variant has not been reported in the literature in individuals affected with RHO-related conditions. This sequence change replaces tyrosine, which is neutral and polar, with histidine, which is basic and polar, at codon 136 of the RHO protein (p.Tyr136His).

Blueprint Genetics
Classification: Uncertain significance. Last evaluated: 2018-05-13. Review status: criteria provided, single submitter. Criteria: ACMG Guidelines, 2015. Collection method: clinical testing. Allele origin: germline.

NM_000539.3(RHO):c.406T>C (p.Tyr136His)

Gene: RHO (rhodopsin; plus strand). Cytogenetic location: 3q22.1.
Variant type: single nucleotide variant.
Coding change: c.406T>C on transcript NM_000539.3 (MANE Select); coding-DNA position 406, T replaced by C.
Protein change: p.Tyr136His; replaces tyrosine 136 with histidine.
Molecular consequence: missense variant.
Genome position (GRCh38, 1-based): chr3:129,530,920, T>C. VCF-style: chr3-129530920-T-C. GRCh37 (hg19) VCF-style: chr3-129249763-T-C.
Other names: short protein forms Y136H.
Identifiers: ClinVar variation 866105 (VCV000866105.7), dbSNP rs2084775038, ClinGen allele CA354498064.